The following is an entry in ClinVar:

NM_001845.6(COL4A1):c.3634A>T (p.Met1212Leu)

Gene: COL4A1 (collagen type IV alpha 1 chain; minus strand). Cytogenetic location: 13q34.
Variant type: single nucleotide variant.
Coding change: c.3634A>T on transcript NM_001845.6 (MANE Select); coding-DNA position 3634, A replaced by T.
Protein change: p.Met1212Leu; replaces methionine 1212 with leucine.
Molecular consequence: missense variant.
Genome position (GRCh38, 1-based): chr13:110,170,655, T>A on the plus strand (A>T on the coding strand, the complement: COL4A1 is on the minus strand). VCF-style: chr13-110170655-T-A. GRCh37 (hg19) VCF-style: chr13-110823002-T-A.
Other names: short protein forms M1212L.
Identifiers: ClinVar variation 311036 (VCV000311036.23), dbSNP rs199557190, ClinGen allele CA7047189.

ClinVar aggregate classification (germline): Conflicting classifications of pathogenicity. Review status: criteria provided, conflicting classifications (1 of 4 stars). 8 submissions from 7 submitters: Uncertain significance (2); Benign (2); Likely benign (4). Last evaluated 2026-01-30.

Conditions:
Brain small vessel disease 1 with or without ocular anomalies (BSVD1). Also called: PORENCEPHALY, TYPE 1, AUTOSOMAL DOMINANT; Brain small vessel disease with or without ocular anomalies; GOULD SYNDROME 1; BRAIN SMALL VESSEL DISEASE WITH HEMORRHAGE. Identifiers: Orphanet 2940, Orphanet 36383, Orphanet 99810, MedGen C4755307, MONDO:0008289, OMIM 175780.
Autosomal dominant familial hematuria-retinal arteriolar tortuosity-contractures syndrome. Also called: Hereditary Angiopathy with Nephropathy, Aneurysms, and Muscle Cramps (HANAC) Syndrome; Angiopathy, hereditary, with nephropathy, aneurysms, and muscle cramps. Identifiers: Orphanet 73229, MedGen C2673195, MONDO:0012726, OMIM 611773.

Allele frequency attached by ClinVar (database versions not stated): 1000 Genomes Project 30x 0.00016; gnomAD 0.00017 and 0.00019; 1000 Genomes Project 0.00020; TOPMed 0.00020; ESP Exome Variant Server 0.00023; gnomAD exomes 0.00023; ExAC 0.00031.

Submissions (8):

Labcorp Genetics (formerly Invitae), Labcorp
Classification: Likely benign. Last evaluated: 2026-01-30. Review status: criteria provided, single submitter. Criteria: Invitae Variant Classification Sherloc (09022015). Collection method: clinical testing. Allele origin: germline.

Women's Health and Genetics/Laboratory Corporation of America, LabCorp
Classification: Uncertain significance. Last evaluated: 2025-09-04. Review status: criteria provided, single submitter. Criteria: LabCorp Variant Classification Summary - May 2015. Collection method: clinical testing. Allele origin: germline.
Comment: Variant summary: COL4A1 c.3634A>T (p.Met1212Leu) results in a conservative amino acid change in the encoded protein sequence. Algorithms developed to predict the effect of missense changes on protein structure and function all suggest that this variant is likely to be tolerated. The variant allele was found at a frequency of 0.00023 in 249008 control chromosomes. This frequency is not significantly higher than estimated for disease-causing variants in COL4A1, allowing no conclusion about variant significance. To our knowledge, no occurrence of c.3634A>T in individuals affected with COL4A1-related conditions and no experimental evidence demonstrating its impact on protein function have been reported. ClinVar contains an entry for this variant (Variation ID: 311036). Based on the evidence outlined above, the variant was classified as uncertain significance.

Revvity Omics, Revvity
Classification: Likely benign. Last evaluated: 2024-12-16. Review status: criteria provided, single submitter. Criteria: ACMG Guidelines, 2015. Collection method: clinical testing. Allele origin: germline.

Blueprint Genetics
Classification: Likely benign. Last evaluated: 2024-09-20. Review status: criteria provided, single submitter. Criteria: ACMG Guidelines, 2015. Collection method: clinical testing. Allele origin: germline.

GeneDx
Classification: Uncertain significance. Last evaluated: 2022-10-12. Review status: criteria provided, single submitter. Criteria: GeneDx Variant Classification Process June 2021. Collection method: clinical testing. Allele origin: germline. Affected: yes.
Comment: Has not been previously published as pathogenic or benign to our knowledge; In silico analysis supports that this missense variant does not alter protein structure/function; Occurs in the triple helical domain at the Y position in the canonical Gly-X-Y repeat; although this variant may have an effect on normal protein folding and function, missense substitution at the Y position is not a common mechanism of disease

Athena Diagnostics
Classification: Likely benign. Last evaluated: 2018-11-02. Review status: criteria provided, single submitter. Criteria: Athena Diagnostics Criteria. Collection method: clinical testing. Allele origin: germline.

Illumina Laboratory Services, Illumina
Classification: Benign for Autosomal dominant familial hematuria-retinal arteriolar tortuosity-contractures syndrome. Last evaluated: 2018-01-13. Review status: criteria provided, single submitter. Criteria: ICSL Variant Classification Criteria 13 December 2019. Collection method: clinical testing. Allele origin: germline.
Comment: This variant was observed in the ICSL laboratory as part of a predisposition screen in an ostensibly healthy population. It had not been previously curated by ICSL or reported in the Human Gene Mutation Database (HGMD: prior to June 1st, 2018), and was therefore a candidate for classification through an automated scoring system. Utilizing variant allele frequency, disease prevalence and penetrance estimates, and inheritance mode, an automated score was calculated to assess if this variant is too frequent to cause the disease. Based on the score and internal cut-off values, a variant classified as benign is not then subjected to further curation. The score for this variant resulted in a classification of benign for this disease.

Illumina Laboratory Services, Illumina
Classification: Benign for Brain small vessel disease 1 with or without ocular anomalies. Last evaluated: 2018-01-13. Review status: criteria provided, single submitter. Criteria: ICSL Variant Classification Criteria 13 December 2019. Collection method: clinical testing. Allele origin: germline.
Comment: the same text as in the submission from Illumina Laboratory Services, Illumina above.